The following is an entry in ClinVar:

NM_000059.4(BRCA2):c.7784C>G (p.Ala2595Gly)

Gene: BRCA2 (BRCA2 DNA repair associated; plus strand). Cytogenetic location: 13q13.1.
Variant type: single nucleotide variant.
Coding change: c.7784C>G on transcript NM_000059.4 (MANE Select); coding-DNA position 7784, C replaced by G.
Protein change: p.Ala2595Gly; replaces alanine 2595 with glycine.
Molecular consequence: missense variant.
Genome position (GRCh38, 1-based): chr13:32,357,908, C>G. VCF-style: chr13-32357908-C-G. GRCh37 (hg19) VCF-style: chr13-32932045-C-G.
Other names: short protein forms A2595G.
Identifiers: ClinVar variation 441511 (VCV000441511.14), dbSNP rs1555286463, ClinGen allele CA387745996.
Genomic context (GRCh38, chr13:32,357,908, plus strand): 5'-CTGGAAAAGGAATACAGTTGGCTGATGGTGGATGGCTCATACCCTCCAATGATGGAAAGG[C>G]TGGAAAAGAAGAATTTTATAGGTACTCTATGCAAAAAGATTGTGTGTTAACTTTTATGTA-3'
Protein context (NP_000050.3, residues 2585-2605): GWLIPSNDGK[Ala2595Gly]GKEEFYRALC

ClinVar aggregate classification (germline): Uncertain significance. Review status: criteria provided, multiple submitters, no conflicts (2 of 4 stars). 2 submissions from 2 submitters: Uncertain significance (2). Last evaluated 2025-08-08.

Conditions:
Hereditary breast ovarian cancer syndrome. Also called: Hereditary breast and ovarian cancer; Breast and ovarian cancer; Hereditary breast and ovarian cancer syndrome; Hereditary breast and/or ovarian cancer syndrome; BRCA1- and BRCA2-Associated Hereditary Breast and Ovarian Cancer; Hereditary breast and ovarian cancer syndrome (HBOC). Identifiers: Orphanet 145, MedGen C0677776, MeSH D061325, MONDO:0003582. Disease mechanism: loss of function.
Hereditary cancer-predisposing syndrome. Also called: Hereditary Cancer Syndrome; Hereditary neoplastic syndrome; Neoplastic Syndromes, Hereditary; Tumor predisposition. Identifiers: Orphanet 140162, MedGen C0027672, MeSH D009386, MONDO:0015356.

Submissions (2):

Ambry Genetics
Classification: Uncertain significance for Hereditary cancer-predisposing syndrome. Last evaluated: 2025-08-08. Review status: criteria provided, single submitter. Criteria: Ambry Variant Classification Scheme 2023. Collection method: clinical testing. Allele origin: germline.
Comment: The p.A2595G variant (also known as c.7784C>G), located in coding exon 15 of the BRCA2 gene, results from a C to G substitution at nucleotide position 7784. The alanine at codon 2595 is replaced by glycine, an amino acid with similar properties. Two saturation genome editing-based studies, including a haploid cell-survival assay and a humanized mouse embryonic stem cell line assay of drug response and survival, demonstrate that this nucleotide substitution is non-functional (Huang H et al. Nature. 2025 Feb;638(8050):528-537; Sahu S et al. Nature. 2025 Feb;638(8050):538-545). A homology-directed repair assay found this variant to have an intermediate functional impact (Ambry internal data). This amino acid position is not well conserved in available vertebrate species. In addition, the in silico prediction for this alteration is inconclusive. Based on the available evidence, the clinical significance of this variant remains unclear.

Labcorp Genetics (formerly Invitae), Labcorp
Classification: Uncertain significance for Hereditary breast ovarian cancer syndrome. Last evaluated: 2024-05-21. Review status: criteria provided, single submitter. Criteria: Invitae Variant Classification Sherloc (09022015). Collection method: clinical testing. Allele origin: germline.
Comment: This sequence change replaces alanine, which is neutral and non-polar, with glycine, which is neutral and non-polar, at codon 2595 of the BRCA2 protein (p.Ala2595Gly). This variant is not present in population databases (gnomAD no frequency). This variant has not been reported in the literature in individuals affected with BRCA2-related conditions. ClinVar contains an entry for this variant (Variation ID: 441511). Advanced modeling of protein sequence and biophysical properties (such as structural, functional, and spatial information, amino acid conservation, physicochemical variation, residue mobility, and thermodynamic stability) performed at Invitae indicates that this missense variant is not expected to disrupt BRCA2 protein function with a negative predictive value of 95%. In summary, the available evidence is currently insufficient to determine the role of this variant in disease. Therefore, it has been classified as a Variant of Uncertain Significance.